The following is an entry in ClinVar:

ClinVar aggregate classification (germline): Likely benign (1 of 4 stars; one submission).

Submission:

GeneDx
Classification: Likely benign. Last evaluated: 2016-10-06. Review status: criteria provided, single submitter. Criteria: GeneDx Variant Classification (06012015). Collection method: clinical testing. Allele origin: germline. Affected: yes.
Comment: This variant is considered likely benign or benign based on one or more of the following criteria: it is a conservative change, it occurs at a poorly conserved position in the protein, it is predicted to be benign by multiple in silico algorithms, and/or has population frequency not consistent with disease.

NM_004522.3(KIF5C):c.397-12G>C

Gene: KIF5C (kinesin family member 5C; plus strand). Cytogenetic location: 2q23.1.
Variant type: single nucleotide variant.
Coding change: c.397-12G>C on transcript NM_004522.3 (MANE Select); 12 bases into the intron before coding-DNA position 397, G replaced by C.
Molecular consequence: intron variant.
Genome position (GRCh38, 1-based): chr2:148,941,598, G>C. VCF-style: chr2-148941598-G-C. GRCh37 (hg19) VCF-style: chr2-149798112-G-C.
Identifiers: ClinVar variation 389777 (VCV000389777.1), dbSNP rs1057523537, ClinGen allele CA16603839.